The following is an entry in ClinVar:

ClinVar aggregate classification (germline): Benign (1 of 4 stars; one submission).

Conditions:
Colorectal cancer, susceptibility to, 1. Also called: COLORECTAL ADENOMA AND CANCER, SUSCEPTIBILITY TO; COLORECTAL CANCER, SUSCEPTIBILITY TO, ON CHROMOSOME 9. Identifiers: MedGen C1837315, MONDO:0012132, OMIM 608812.

gnomAD v4.1: 3 of 1,218,784 alleles (0.00025%); highest among the groups gnomAD compares: Admixed American, 0.0043%; no homozygotes.

Submission:

Myriad Genetics, Inc.
Classification: Benign for Colorectal cancer, susceptibility to, 1. Last evaluated: 2026-04-22. Review status: criteria provided, single submitter. Criteria: Myriad Autosomal Dominant, Autosomal Recessive and X-Linked Classification Criteria (2023). Collection method: clinical testing. Allele origin: unknown.
Comment: This variant is considered benign. This variant is a silent/synonymous amino acid change and it is not expected to impact splicing.

NM_024642.5(GALNT12):c.216G>A (p.Ala72=)

Gene: GALNT12 (polypeptide N-acetylgalactosaminyltransferase 12; plus strand). Cytogenetic location: 9q22.33.
Variant type: single nucleotide variant.
Coding change: c.216G>A on transcript NM_024642.5 (MANE Select); coding-DNA position 216, G replaced by A.
Protein change: p.Ala72=; no amino-acid change (alanine 72 retained).
Molecular consequence: synonymous variant.
Genome position (GRCh38, 1-based): chr9:98,807,914, G>A. VCF-style: chr9-98807914-G-A. GRCh37 (hg19) VCF-style: chr9-101570196-G-A.
Identifiers: ClinVar variation 4876021 (VCV004876021.1).